The following is an entry in ClinVar:

NM_013275.6(ANKRD11):c.1201_1204del (p.Lys401fs)

Gene: ANKRD11 (ankyrin repeat domain containing 11; minus strand). Cytogenetic location: 16q24.3.
Variant type: Microsatellite.
Coding change: c.1201_1204del on transcript NM_013275.6 (MANE Select); coding-DNA positions 1201 to 1204, 4 bases deleted (AAAG; older notation c.1201_1204delAAAG).
Protein change: p.Lys401fs; shifts the reading frame from lysine 401.
Molecular consequence: frameshift variant.
Genome position (GRCh38, 1-based): chr16:89,285,338-89,285,341, CTTT deleted on the plus strand (AAAG on the coding strand, the reverse complement: ANKRD11 is on the minus strand); deleting any 4 consecutive bases within chr16:89,285,338-89,285,345 gives the same sequence; the c. name uses the placement nearest the transcript's 3' end. VCF-style (leftmost placement, unchanged base first): chr16-89285337-GCTTT-G. GRCh37 (hg19) VCF-style: chr16-89351745-GCTTT-G.
Other names: c.1201_1204delAAAG (NM_013275.5); c.1201_1204del, p.Lys401fs (NM_001256182.2, NM_001256183.2); short protein forms K401fs.
Identifiers: ClinVar variation 280911 (VCV000280911.3), dbSNP rs886042029, ClinGen allele CA10603436.

ClinVar aggregate classification (germline): Pathogenic (1 of 4 stars; one submission).

Submission:

GeneDx
Classification: Pathogenic. Last evaluated: 2022-12-07. Review status: criteria provided, single submitter. Criteria: GeneDx Variant Classification Process June 2021. Collection method: clinical testing. Allele origin: germline. Affected: yes.
Comment: Frameshift variant predicted to result in protein truncation or nonsense mediated decay in a gene for which loss of function is a known mechanism of disease; Not observed at significant frequency in large population cohorts (gnomAD); Has not been previously published as pathogenic or benign to our knowledge